The following is an entry in ClinVar:

ClinVar aggregate classification (germline): Benign/Likely benign. Review status: criteria provided, multiple submitters, no conflicts (2 of 4 stars). 5 submissions from 5 submitters: Benign (1); Likely benign (3). 1 of the submissions does not count toward it. Last evaluated 2026-07-14.

Conditions:
SMARCA4-related disorder. Also called: SMARCA4-related condition.
Hereditary cancer-predisposing syndrome. Also called: Hereditary Cancer Syndrome; Hereditary neoplastic syndrome; Neoplastic Syndromes, Hereditary; Tumor predisposition. Identifiers: Orphanet 140162, MedGen C0027672, MeSH D009386, MONDO:0015356.
Rhabdoid tumor predisposition syndrome 2 (RTPS2). Identifiers: Orphanet 231108, Orphanet 69077, MedGen C2750074, MONDO:0013224, OMIM 613325.

Allele frequency attached by ClinVar (database versions not stated): TOPMed 0.00002.
gnomAD v4.1: 77 of 1,612,676 alleles (0.0048%); highest among the groups gnomAD compares: Non-Finnish European, 0.0064%; no homozygotes.

Submissions (5):

Myriad Genetics, Inc.
Classification: Benign for Rhabdoid tumor predisposition syndrome 2. Last evaluated: 2026-07-14. Review status: criteria provided, single submitter. Criteria: Myriad Autosomal Dominant, Autosomal Recessive and X-Linked Classification Criteria (2023). Collection method: clinical testing. Allele origin: unknown.
Comment: This variant is considered benign. This variant is a silent/synonymous amino acid change and it is not expected to impact splicing.

Labcorp Genetics (formerly Invitae), Labcorp
Classification: Likely benign for Rhabdoid tumor predisposition syndrome 2. Last evaluated: 2026-01-05. Review status: criteria provided, single submitter. Criteria: Invitae Variant Classification Sherloc (09022015). Collection method: clinical testing. Allele origin: germline.

Sema4
Classification: Likely benign for Hereditary cancer-predisposing syndrome. Last evaluated: 2021-12-10. Review status: criteria provided, single submitter. Criteria: Sema4 Curation Guidelines. Collection method: curation. Allele origin: germline.

Ambry Genetics
Classification: Likely benign for Hereditary cancer-predisposing syndrome. Last evaluated: 2015-08-25. Review status: criteria provided, single submitter. Criteria: Ambry Variant Classification Scheme 2023. Collection method: clinical testing. Allele origin: germline.

PreventionGenetics, part of Exact Sciences
Classification: Likely benign for SMARCA4-related condition. Last evaluated: 2019-08-06. Review status: no assertion criteria provided. Collection method: clinical testing. Allele origin: germline. Not counted in ClinVar's aggregate classification.
Comment: This variant is classified as likely benign based on ACMG/AMP sequence variant interpretation guidelines (Richards et al. 2015 PMID: 25741868, with internal and published modifications).

NM_003072.5(SMARCA4):c.3558G>T (p.Ala1186=)

Gene: SMARCA4 (SWI/SNF related BAF chromatin remodeling complex subunit ATPase 4; plus strand). Cytogenetic location: 19p13.2.
Variant type: single nucleotide variant.
Coding change: c.3558G>T on transcript NM_003072.5 (MANE Select); coding-DNA position 3558, G replaced by T.
Protein change: p.Ala1186=; no amino-acid change (alanine 1186 retained).
Molecular consequence: synonymous variant. On other transcripts: non-coding transcript variant (1).
Genome position (GRCh38, 1-based): chr19:11,033,301, G>T. VCF-style: chr19-11033301-G-T. GRCh37 (hg19) VCF-style: chr19-11143977-G-T.
Other names: c.3558G>T, p.Ala1186= (NM_001128844.3, NM_001128845.2, NM_001128846.2 and 5 more transcripts).
Identifiers: ClinVar variation 415046 (VCV000415046.20), dbSNP rs140322802, ClinGen allele CA9204470.